The following is an entry in ClinVar:

ClinVar aggregate classification (germline): Likely pathogenic (0 of 4 stars; one submission).

Conditions:
Rolandic epilepsy-paroxysmal exercise-induced dystonia-writer's cramp syndrome. Also called: RE-PED-WC; TBC1D24-Related Rolandic Epilepsy with Paroxysmal Exercise-Induced Dystonia and Writer's Cramp (EPRPDC). Identifiers: Orphanet 163727, MedGen C1842531, MONDO:0011970, OMIM 608105.

Submission:

Solve-RD Consortium
Classification: Likely pathogenic for Rolandic epilepsy-paroxysmal exercise-induced dystonia-writer's cramp syndrome. Last evaluated: 2024-06-01. Review status: no assertion criteria provided. Collection method: provider interpretation. Allele origin: de novo. Affected: yes.
Comment: This CNV was confirmed by the submitting clinician to impact a gene that corresponds with the phenotype of the affected individual, and thus deemed to be causative for their condition.

Literature cited by the submitters: PubMed 39825153.

GRCh37/hg19 16p13.3(chr16:2229815-2582030)x4

Genes: ABCA3 (ATP binding cassette subfamily A member 3; minus strand), AMDHD2 (amidohydrolase domain containing 2; plus strand), ATP6V0C (ATPase H+ transporting V0 subunit c; plus strand), BRICD5 (BRICHOS domain containing 5; minus strand), CASKIN1 (CASK interacting protein 1; minus strand) and 11 more. Cytogenetic location: 16p13.3.
Variant type: copy number gain.
Change: copy number 4 of chr16:2,229,815-2,582,030 (352.2 kb, GRCh37 coordinates, 1-based), cytogenetic band 16p13.3.
Identifiers: ClinVar variation 3338428 (VCV003338428.1).